The following is an entry in ClinVar:

ClinVar aggregate classification (germline): Uncertain significance (1 of 4 stars; one submission).

Allele frequency attached by ClinVar (database versions not stated): TOPMed 0.00006; gnomAD 0.00008 and 0.00009.
gnomAD v4.1: 22 of 1,614,086 alleles (0.0014%); highest among the groups gnomAD compares: Admixed American, 0.037%; 1 homozygote.

Submission:

Labcorp Genetics (formerly Invitae), Labcorp
Classification: Uncertain significance. Last evaluated: 2022-02-01. Review status: criteria provided, single submitter. Criteria: Invitae Variant Classification Sherloc (09022015). Collection method: clinical testing. Allele origin: germline.
Comment: In summary, the available evidence is currently insufficient to determine the role of this variant in disease. Therefore, it has been classified as a Variant of Uncertain Significance. Algorithms developed to predict the effect of missense changes on protein structure and function are either unavailable or do not agree on the potential impact of this missense change (SIFT: "Deleterious"; PolyPhen-2: "Possibly Damaging"; Align-GVGD: "Class C15"). This variant has not been reported in the literature in individuals affected with OPN1SW-related conditions. This variant is present in population databases (no rsID available, gnomAD 0.03%). This sequence change replaces serine, which is neutral and polar, with tyrosine, which is neutral and polar, at codon 332 of the OPN1SW protein (p.Ser332Tyr).

NM_001385125.1(OPN1SW):c.986C>A (p.Ser329Tyr)

Genes: CALU (calumenin; plus strand), OPN1SW (opsin 1, short wave sensitive; minus strand). Cytogenetic location: 7q32.1.
Variant type: single nucleotide variant.
Coding change: c.986C>A on transcript NM_001385125.1 (MANE Select); coding-DNA position 986, C replaced by A.
Protein change: p.Ser329Tyr; replaces serine 329 with tyrosine.
Molecular consequence: missense variant. On other transcripts: 3 prime UTR variant (5), non-coding transcript variant (1).
Genome position (GRCh38, 1-based): chr7:128,772,592, G>T on the plus strand (C>A on the coding strand, the complement: OPN1SW is on the minus strand). VCF-style: chr7-128772592-G-T. GRCh37 (hg19) VCF-style: chr7-128412646-G-T.
Other names: c.*3425G>T (NM_001130674.3, NM_001199671.2, NM_001199672.2 and 1 more transcripts); c.*3498G>T (NM_001199673.2); short protein forms S329Y.
Identifiers: ClinVar variation 1478085 (VCV001478085.6), dbSNP rs1351782596, ClinGen allele CA369216106.